The following is an entry in ClinVar:

NM_004423.4(DVL3):c.470G>C (p.Arg157Pro)

Gene: DVL3 (dishevelled segment polarity protein 3; plus strand). Cytogenetic location: 3q27.1.
Variant type: single nucleotide variant.
Coding change: c.470G>C on transcript NM_004423.4 (MANE Select); coding-DNA position 470, G replaced by C.
Protein change: p.Arg157Pro; replaces arginine 157 with proline.
Molecular consequence: missense variant.
Genome position (GRCh38, 1-based): chr3:184,164,802, G>C. VCF-style: chr3-184164802-G-C. GRCh37 (hg19) VCF-style: chr3-183882590-G-C.
Other names: short protein forms R157P.
Identifiers: ClinVar variation 3369590 (VCV003369590.1).

ClinVar aggregate classification (germline): Uncertain significance (1 of 4 stars; one submission).

Submission:

GeneDx
Classification: Uncertain significance. Last evaluated: 2024-02-24. Review status: criteria provided, single submitter. Criteria: GeneDx Variant Classification Process June 2021. Collection method: clinical testing. Allele origin: germline. Affected: yes.
Comment: Not observed at significant frequency in large population cohorts (gnomAD); In silico analysis supports that this missense variant has a deleterious effect on protein structure/function; Has not been previously published as pathogenic or benign to our knowledge